The following is an entry in ClinVar:

ClinVar aggregate classification (germline): Uncertain significance (1 of 4 stars; one submission).

Allele frequency attached by ClinVar (database versions not stated): gnomAD 0.00001; gnomAD exomes 0.00001; ExAC 0.00002; TOPMed 0.00002.
gnomAD v4.1: 23 of 1,614,046 alleles (0.0014%); highest among the groups gnomAD compares: Admixed American, 0.0083%; no homozygotes.

Submission:

Labcorp Genetics (formerly Invitae), Labcorp
Classification: Uncertain significance. Last evaluated: 2023-12-28. Review status: criteria provided, single submitter. Criteria: Invitae Variant Classification Sherloc (09022015). Collection method: clinical testing. Allele origin: germline.
Comment: This sequence change replaces arginine, which is basic and polar, with glutamine, which is neutral and polar, at codon 100 of the ERBB2 protein (p.Arg100Gln). This variant is present in population databases (rs756720659, gnomAD 0.01%). This missense change has been observed in individual(s) with brain metastases and/or prostate cancer (PMID: 29755676, 36095024). An algorithm developed to predict the effect of missense changes on protein structure and function (PolyPhen-2) suggests that this variant is likely to be disruptive. In summary, the available evidence is currently insufficient to determine the role of this variant in disease. Therefore, it has been classified as a Variant of Uncertain Significance.

Literature cited by the submitters: PubMed 29755676; PubMed 36095024.

NM_004448.4(ERBB2):c.299G>A (p.Arg100Gln)

Gene: ERBB2 (erb-b2 receptor tyrosine kinase 2; plus strand). Cytogenetic location: 17q12.
Variant type: single nucleotide variant.
Coding change: c.299G>A on transcript NM_004448.4 (MANE Select); coding-DNA position 299, G replaced by A.
Protein change: p.Arg100Gln; replaces arginine 100 with glutamine.
Molecular consequence: missense variant. On other transcripts: non-coding transcript variant (1), intron variant (1).
Genome position (GRCh38, 1-based): chr17:39,708,394, G>A. VCF-style: chr17-39708394-G-A. GRCh37 (hg19) VCF-style: chr17-37864647-G-A.
Other names: c.299G>A, p.Arg100Gln (NM_001382793.1, NM_001382794.1, NM_001382795.1 and 19 more transcripts); c.209G>A, p.Arg70Gln (NM_001005862.3, NM_001289938.2, NM_001382782.1 and 1 more transcripts); c.254G>A, p.Arg85Gln (NM_001289936.2); c.290G>A, p.Arg97Gln (NM_001382791.1); c.74-3534G>A (NM_001382804.1); short protein forms R100Q, R97Q, R70Q, R85Q.
Identifiers: ClinVar variation 2885391 (VCV002885391.3), dbSNP rs756720659, ClinGen allele CA8533595.
Genomic context (GRCh38, chr17:39,708,394, plus strand): 5'-TGCAGGGCTACGTGCTCATCGCTCACAACCAAGTGAGGCAGGTCCCACTGCAGAGGCTGC[G>A]GATTGTGCGAGGCACCCAGCTCTTTGAGGACAACTATGCCCTGGCCGTGCTAGACAATGG-3'
Protein context (NP_004439.2, residues 90-110): QVRQVPLQRL[Arg100Gln]IVRGTQLFED